The following is an entry in ClinVar:

ClinVar aggregate classification (germline): Likely benign (1 of 4 stars; one submission).

Submission:

CeGaT Center for Human Genetics Tuebingen
Classification: Likely benign. Last evaluated: 2023-05-01. Review status: criteria provided, single submitter. Criteria: CeGaT Center For Human Genetics Tuebingen Variant Classification Criteria Version 2. Collection method: clinical testing. Allele origin: germline. Affected: yes. Observed: 1 variant allele.
Comment: RNF126: PM2:Supporting, BP4, BP7

NM_194460.3(RNF126):c.57G>A (p.Glu19=)

Genes: RNF126 (ring finger protein 126; minus strand), LOC130062841 (ATAC-STARR-seq lymphoblastoid silent region 9615; plus strand). Cytogenetic location: 19p13.3.
Variant type: single nucleotide variant.
Coding change: c.57G>A on transcript NM_194460.3 (MANE Select); coding-DNA position 57, G replaced by A.
Protein change: p.Glu19=; no amino-acid change (glutamic acid 19 retained).
Molecular consequence: synonymous variant.
Genome position (GRCh38, 1-based): chr19:663,065, C>T on the plus strand (G>A on the coding strand, the complement: RNF126 is on the minus strand). VCF-style: chr19-663065-C-T. GRCh37 (hg19) VCF-style: chr19-663065-C-T.
Other names: c.57G>A, p.Glu19= (NM_001366018.1).
Identifiers: ClinVar variation 2648864 (VCV002648864.24), dbSNP rs2512083495, ClinGen allele CA504670730.